The following is an entry in ClinVar:

NM_133510.4(RAD51B):c.452+5G>T

Gene: RAD51B (RAD51 paralog B; plus strand). Cytogenetic location: 14q24.1.
Variant type: single nucleotide variant.
Coding change: c.452+5G>T on transcript NM_133510.4 (MANE Select); 5 bases into the intron after coding-DNA position 452, G replaced by T.
Molecular consequence: intron variant.
Genome position (GRCh38, 1-based): chr14:67,865,144, G>T. VCF-style: chr14-67865144-G-T. GRCh37 (hg19) VCF-style: chr14-68331861-G-T.
Other names: c.452+5G>T (NM_001321818.2, NM_001321809.2, NM_001321821.2 and 6 more transcripts); c.95+5G>T (NM_001321817.2); c.338+5G>T (NM_001321815.1).
Identifiers: ClinVar variation 3786357 (VCV003786357.1).
Genomic context (GRCh38, chr14:67,865,144, plus strand): 5'-GGATTAGAAGGAGCTGTGGTGTACATTGACACAGAGTCTGCATTTAGTGCTGAAAGGTAT[G>T]AGATTTTATTTTCTATTATAATGTTTTACTTTTGTAACTTATATACAGCATGAAACATTT-3'

ClinVar aggregate classification (germline): Uncertain significance (1 of 4 stars; one submission).

gnomAD v4.1: 6 of 1,586,294 alleles (0.00038%); highest among the groups gnomAD compares: Non-Finnish European, 0.00051%; no homozygotes.

Submission:

Ambry Genetics
Classification: Uncertain significance. Last evaluated: 2024-12-17. Review status: criteria provided, single submitter. Criteria: Ambry Variant Classification Scheme 2023. Collection method: clinical testing. Allele origin: germline.
Comment: The c.452+5G>T intronic variant results from a G to T substitution 5 nucleotides after coding exon 4 in the RAD51B gene. This nucleotide position is well conserved in available vertebrate species. In silico splice site analysis predicts that this alteration will not have any significant effect on splicing. The evidence for this gene-disease relationship is limited; therefore, the clinical significance of this alteration is unclear.